The following is an entry in ClinVar:

NM_001009944.3(PKD1):c.6066G>A (p.Ser2022=)

Gene: PKD1 (polycystin 1, transient receptor potential channel interacting; minus strand). Cytogenetic location: 16p13.3.
Variant type: single nucleotide variant.
Coding change: c.6066G>A on transcript NM_001009944.3 (MANE Select); coding-DNA position 6066, G replaced by A.
Protein change: p.Ser2022=; no amino-acid change (serine 2022 retained).
Molecular consequence: synonymous variant.
Genome position (GRCh38, 1-based): chr16:2,109,101, C>T on the plus strand (G>A on the coding strand, the complement: PKD1 is on the minus strand). VCF-style: chr16-2109101-C-T. GRCh37 (hg19) VCF-style: chr16-2159102-C-T.
Other names: c.6066G>A, p.Ser2022= (NM_000296.4).
Identifiers: ClinVar variation 4977332 (VCV004977332.1).

ClinVar aggregate classification (germline): Likely benign (1 of 4 stars; one submission).

Conditions:
PKD1-related disorder. Also called: PKD1-related condition.

gnomAD v4.1: 20 of 1,603,136 alleles (0.0012%); highest among the groups gnomAD compares: African/African-American, 0.004%; no homozygotes.

Submission:

PreventionGenetics, part of Exact Sciences
Classification: Likely benign for PKD1-related condition. Last evaluated: 2026-07-01. Review status: criteria provided, single submitter. Criteria: ACMG Guidelines, 2015. Collection method: clinical testing. Allele origin: germline.
Comment: This variant is classified as likely benign based on ACMG/AMP sequence variant interpretation guidelines (Richards et al. 2015 PMID: 25741868, with internal and published modifications).